The following is an entry in ClinVar:

NM_004117.4(FKBP5):c.105+2542G>A

Gene: FKBP5 (FKBP prolyl isomerase 5; minus strand). Cytogenetic location: 6p21.31.
Variant type: single nucleotide variant.
Coding change: c.105+2542G>A on transcript NM_004117.4 (MANE Select); 2542 bases into the intron after coding-DNA position 105, G replaced by A.
Molecular consequence: intron variant.
Genome position (GRCh38, 1-based): chr6:35,640,178, C>T on the plus strand (G>A on the coding strand, the complement: FKBP5 is on the minus strand). VCF-style: chr6-35640178-C-T. GRCh37 (hg19) VCF-style: chr6-35607955-C-T.
Other names: c.105+2542G>A (NM_001145775.3, NM_001145776.2, NM_001145777.2).
Identifiers: ClinVar variation 1179585 (VCV001179585.2), dbSNP rs73748206, ClinGen allele CA12368797.

ClinVar aggregate classification (germline): Benign (1 of 4 stars; one submission).

Allele frequency attached by ClinVar (database versions not stated): 1000 Genomes Project 0.02855; 1000 Genomes Project 30x 0.03107; gnomAD 0.03577 and 0.03795; TOPMed 0.03825.
gnomAD v4.1: 5,458 of 152,292 alleles (3.6%); highest among the groups gnomAD compares: African/African-American, 7.1%; 130 homozygotes.

Submission:

GeneDx
Classification: Benign. Last evaluated: 2020-07-15. Review status: criteria provided, single submitter. Criteria: GeneDx Variant Classification Process June 2021. Collection method: clinical testing. Allele origin: germline. Affected: yes.
Comment: This variant is associated with the following publications: (PMID: 23936393)